The following is an entry in ClinVar:

ClinVar aggregate classification (germline): Uncertain significance (1 of 4 stars; one submission).

Submission:

Labcorp Genetics (formerly Invitae), Labcorp
Classification: Uncertain significance. Last evaluated: 2022-07-18. Review status: criteria provided, single submitter. Criteria: Invitae Variant Classification Sherloc (09022015). Collection method: clinical testing. Allele origin: germline.
Comment: In summary, the available evidence is currently insufficient to determine the role of this variant in disease. Therefore, it has been classified as a Variant of Uncertain Significance. Advanced modeling of protein sequence and biophysical properties (such as structural, functional, and spatial information, amino acid conservation, physicochemical variation, residue mobility, and thermodynamic stability) performed at Invitae indicates that this missense variant is not expected to disrupt CNGA3 protein function. ClinVar contains an entry for this variant (Variation ID: 1025331). This variant has not been reported in the literature in individuals affected with CNGA3-related conditions. This variant is not present in population databases (gnomAD no frequency). This sequence change replaces threonine, which is neutral and polar, with alanine, which is neutral and non-polar, at codon 42 of the CNGA3 protein (p.Thr42Ala).

NM_001298.3(CNGA3):c.124A>G (p.Thr42Ala)

Gene: CNGA3 (cyclic nucleotide gated channel subunit alpha 3; plus strand). Cytogenetic location: 2q11.2.
Variant type: single nucleotide variant.
Coding change: c.124A>G on transcript NM_001298.3 (MANE Select); coding-DNA position 124, A replaced by G.
Protein change: p.Thr42Ala; replaces threonine 42 with alanine.
Molecular consequence: missense variant.
Genome position (GRCh38, 1-based): chr2:98,377,709, A>G. VCF-style: chr2-98377709-A-G. GRCh37 (hg19) VCF-style: chr2-98994172-A-G.
Other names: c.124A>G, p.Thr42Ala (NM_001079878.2); short protein forms T42A.
Identifiers: ClinVar variation 1025331 (VCV001025331.6), dbSNP rs535187464, ClinGen allele CA347830342.